The following continues an entry in ClinVar:

NM_000492.4(CFTR):c.1652G>A (p.Gly551Asp)

ClinVar aggregate classification (germline): Pathogenic. Pathogenic (1).

Submissions 29 to 36 of 36:

Genome Diagnostics Laboratory, The Hospital for Sick Children
Classification: Pathogenic for CFTR-related disorders. Last evaluated: 2019-09-06. Review status: no assertion criteria provided. Collection method: clinical testing. Allele origin: germline. Not counted in ClinVar's aggregate classification.

Women's Health and Genetics/Laboratory Corporation of America, LabCorp
Classification: Pathogenic for Cystic Fibrosis. Last evaluated: 2015-04-13. Review status: no assertion criteria provided. Collection method: clinical testing. Allele origin: germline. Not counted in ClinVar's aggregate classification.

OMIM
Classification: Pathogenic for CYSTIC FIBROSIS. Last evaluated: 2012-02-07. Review status: no assertion criteria provided. Collection method: literature only. Allele origin: germline. Not counted in ClinVar's aggregate classification.

Clinical Genetics DNA and cytogenetics Diagnostics Lab, Erasmus MC, Erasmus Medical Center
Classification: Pathogenic. Review status: no assertion criteria provided. Collection method: clinical testing. Allele origin: germline. Affected: yes. Study: VKGL Data-share Consensus. Not counted in ClinVar's aggregate classification.

Diagnostic Laboratory, Department of Genetics, University Medical Center Groningen
Classification: Pathogenic. Review status: no assertion criteria provided. Collection method: clinical testing. Allele origin: germline. Affected: yes. Study: VKGL Data-share Consensus. Not counted in ClinVar's aggregate classification.

GeneReviews
No classification provided. Condition: Hereditary pancreatitis. Review status: no classification provided. Collection method: literature only. Allele origin: germline. Affected: yes. Not counted in ClinVar's aggregate classification.

GeneReviews
No classification provided. Condition: Cystic fibrosis. Review status: no classification provided. Collection method: literature only. Allele origin: unknown. Not counted in ClinVar's aggregate classification.

Joint Genome Diagnostic Labs from Nijmegen and Maastricht, Radboudumc and MUMC+
Classification: Pathogenic. Review status: no assertion criteria provided. Collection method: clinical testing. Allele origin: germline. Affected: yes. Study: VKGL Data-share Consensus. Not counted in ClinVar's aggregate classification.

Literature cited by the submitters: PMC 3110945 (cited by American College of Medical Genetics and Genomics  (ACMG)); PubMed 19846789 (cited by ClinPGx); PubMed 21083385 (cited by ClinPGx and OMIM); PubMed 22047557 (cited by ClinPGx and OMIM); PubMed 22293084 (cited by ClinPGx and Quest Diagnostics Nichols Institute San Juan Capistrano); PubMed 22942289 (cited by ClinPGx); PubMed 23313410 (cited by ClinPGx); PubMed 23590265 (cited by ClinPGx); PubMed 23628510 (cited by ClinPGx); PubMed 23757359 (cited by ClinPGx); PubMed 23757361 (cited by ClinPGx); PubMed 23891399 (cited by ClinPGx and Quest Diagnostics Nichols Institute San Juan Capistrano); PubMed 24066763 (cited by ClinPGx and Labcorp Genetics (formerly Invitae), Labcorp); PubMed 24461666 (cited by ClinPGx); PubMed 25049054 (cited by ClinPGx); PubMed 25145599 (cited by ClinPGx); PubMed 25171465 (cited by ClinPGx); PubMed 25311995 (cited by ClinPGx); PubMed 25473543 (cited by ClinPGx); PubMed 25682022 (cited by ClinPGx); PubMed 25755212 (cited by ClinPGx); PubMed 26135562 (cited by ClinPGx); PubMed 26568242 (cited by ClinPGx); PubMed 27158673 (cited by ClinPGx); PubMed 27745802 (cited by ClinPGx); PubMed 27773592 (cited by ClinPGx); PubMed 28611235 (cited by ClinPGx); PubMed 28651844 (cited by ClinPGx); PubMed 28711222 (cited by ClinPGx and Victorian Clinical Genetics Services, Murdoch Childrens Research Institute); PubMed 23974870 (cited by 6 submitters); PubMed 1379413 (cited by Labcorp Genetics (formerly Invitae), Labcorp); PubMed 1695717 (cited by 4 submitters); PubMed 2236053 (cited by 3 submitters); PubMed 19734299 (cited by Labcorp Genetics (formerly Invitae), Labcorp and Quest Diagnostics Nichols Institute San Juan Capistrano); PubMed 22658665 (cited by Labcorp Genetics (formerly Invitae), Labcorp and Quest Diagnostics Nichols Institute San Juan Capistrano); PubMed 7493947 (cited by Labcorp Genetics (formerly Invitae), Labcorp); PubMed 7542778 (cited by Labcorp Genetics (formerly Invitae), Labcorp); PubMed 8605891 (cited by Labcorp Genetics (formerly Invitae), Labcorp and Quest Diagnostics Nichols Institute San Juan Capistrano); PubMed 35258175 (cited by Natera, Inc.); PubMed 10923036 (cited by Natera, Inc.); PubMed 10229049 (cited by Natera, Inc.); PubMed 17353351 (cited by Ambry Genetics); PubMed 29805046 (cited by Ambry Genetics and Quest Diagnostics Nichols Institute San Juan Capistrano); PubMed 8863168 (cited by Ambry Genetics); PubMed 10653141 (cited by Quest Diagnostics Nichols Institute San Juan Capistrano); PubMed 18456578 (cited by Quest Diagnostics Nichols Institute San Juan Capistrano); PubMed 22768251 (cited by Quest Diagnostics Nichols Institute San Juan Capistrano and Laboratory for Molecular Medicine, Mass General Brigham Personalized Medicine); PubMed 24440181 (cited by Quest Diagnostics Nichols Institute San Juan Capistrano); PubMed 29261177 (cited by Quest Diagnostics Nichols Institute San Juan Capistrano); PubMed 30279124 (cited by Quest Diagnostics Nichols Institute San Juan Capistrano); PubMed 31036917 (cited by Quest Diagnostics Nichols Institute San Juan Capistrano); PubMed 31980526 (cited by Quest Diagnostics Nichols Institute San Juan Capistrano); PubMed 7545856 (cited by Quest Diagnostics Nichols Institute San Juan Capistrano); PubMed 9272738 (cited by Quest Diagnostics Nichols Institute San Juan Capistrano); PubMed 1284534 (cited by Quest Diagnostics Nichols Institute San Juan Capistrano); PubMed 18167357 (cited by Quest Diagnostics Nichols Institute San Juan Capistrano); PubMed 22324837 (cited by Quest Diagnostics Nichols Institute San Juan Capistrano); PubMed 9401006 (cited by Quest Diagnostics Nichols Institute San Juan Capistrano); PubMed 24440239 (cited by Quest Diagnostics Nichols Institute San Juan Capistrano and Laboratory for Molecular Medicine, Mass General Brigham Personalized Medicine); PubMed 28603918 (cited by Quest Diagnostics Nichols Institute San Juan Capistrano); PubMed 26683699 (cited by Quest Diagnostics Nichols Institute San Juan Capistrano); PubMed 25148434 (cited by Quest Diagnostics Nichols Institute San Juan Capistrano); PubMed 20381036 (cited by Laboratory for Molecular Medicine, Mass General Brigham Personalized Medicine); PubMed 1999830 (cited by OMIM); PubMed 1678049 (cited by OMIM); PubMed 1721624 (cited by OMIM); PubMed 9003498 (cited by OMIM); PubMed 12007216 (cited by OMIM); PubMed 22318583 (cited by OMIM); NCBI Bookshelf NBK190101 (cited by GeneReviews); PubMed 15371902 (cited by GeneReviews); PubMed 20301428 (cited by GeneReviews).